The following is an entry in ClinVar:

ClinVar aggregate classification (germline): Benign/Likely benign. Review status: criteria provided, multiple submitters, no conflicts (2 of 4 stars). 2 submissions from 2 submitters: Benign (1); Likely benign (1). Last evaluated 2024-12-05.

Conditions:
NEXMIF-related disorder. Also called: NEXMIF-related condition.

Allele frequency attached by ClinVar (database versions not stated): gnomAD exomes below 0.00001 and 0.00002; ExAC 0.00001; TOPMed 0.00008; gnomAD 0.00010 and 0.00011.
gnomAD v4.1: 15 of 1,209,603 alleles (0.0012%); highest among the groups gnomAD compares: Admixed American, 0.028%; no homozygotes.

Submissions (2):

PreventionGenetics, part of Exact Sciences
Classification: Likely benign for NEXMIF-related condition. Last evaluated: 2024-12-05. Review status: criteria provided, single submitter. Criteria: ACMG Guidelines, 2015. Collection method: clinical testing. Allele origin: germline.
Comment: This variant is classified as likely benign based on ACMG/AMP sequence variant interpretation guidelines (Richards et al. 2015 PMID: 25741868, with internal and published modifications).

Labcorp Genetics (formerly Invitae), Labcorp
Classification: Benign. Last evaluated: 2021-03-02. Review status: criteria provided, single submitter. Criteria: Invitae Variant Classification Sherloc (09022015). Collection method: clinical testing. Allele origin: germline.

NM_001008537.3(NEXMIF):c.3102G>A (p.Leu1034=)

Gene: NEXMIF (neurite extension and migration factor; minus strand). Cytogenetic location: Xq13.3.
Variant type: single nucleotide variant.
Coding change: c.3102G>A on transcript NM_001008537.3 (MANE Select); coding-DNA position 3102, G replaced by A.
Protein change: p.Leu1034=; no amino-acid change (leucine 1034 retained).
Molecular consequence: synonymous variant.
Genome position (GRCh38, 1-based): chrX:74,741,455, C>T on the plus strand (G>A on the coding strand, the complement: NEXMIF is on the minus strand). VCF-style: chrX-74741455-C-T. GRCh37 (hg19) VCF-style: chrX-73961290-C-T.
Other names: c.3102G>A (NM_001008537.2).
Identifiers: ClinVar variation 1167421 (VCV001167421.10), dbSNP rs775509800, ClinGen allele CA10454974.